The following is an entry in ClinVar:

NM_000051.4(ATM):c.2900T>G (p.Leu967Arg)

Gene: ATM (ATM serine/threonine kinase; plus strand). Cytogenetic location: 11q22.3.
Variant type: single nucleotide variant.
Coding change: c.2900T>G on transcript NM_000051.4 (MANE Select); coding-DNA position 2900, T replaced by G.
Protein change: p.Leu967Arg; replaces leucine 967 with arginine.
Molecular consequence: missense variant.
Genome position (GRCh38, 1-based): chr11:108,271,125, T>G. VCF-style: chr11-108271125-T-G. GRCh37 (hg19) VCF-style: chr11-108141852-T-G.
Other names: c.2900T>G, p.Leu967Arg (NM_001351834.2); short protein forms L967R.
Identifiers: ClinVar variation 2739497 (VCV002739497.3), dbSNP rs2135548544, ClinGen allele CA382546932.

ClinVar aggregate classification (germline): Uncertain significance (1 of 4 stars; one submission).

Conditions:
Ataxia-telangiectasia syndrome (AT). Also called: Cerebello-oculocutaneous telangiectasia; Immunodeficiency with ataxia telangiectasia; Ataxia telangiectasia (A-T); Ataxia-telangiectasia, complementation group E; LOUIS-BAR SYNDROME; Ataxia-telangiectasia, complementation group D. Identifiers: Orphanet 100, MedGen C0004135, MONDO:0008840, OMIM 208900.

Allele frequency attached by ClinVar (database versions not stated): gnomAD exomes below 0.00001.
gnomAD v4.1: 1 of 1,614,144 alleles (0.000062%); highest among the groups gnomAD compares: Admixed American, 0.0017%; no homozygotes.

Submission:

Labcorp Genetics (formerly Invitae), Labcorp
Classification: Uncertain significance for Ataxia-telangiectasia syndrome. Last evaluated: 2023-04-08. Review status: criteria provided, single submitter. Criteria: Invitae Variant Classification Sherloc (09022015). Collection method: clinical testing. Allele origin: germline.
Comment: An algorithm developed to predict the effect of missense changes on protein structure and function (PolyPhen-2) suggests that this variant is likely to be tolerated. This sequence change replaces leucine, which is neutral and non-polar, with arginine, which is basic and polar, at codon 967 of the ATM protein (p.Leu967Arg). This variant is not present in population databases (gnomAD no frequency). This variant has not been reported in the literature in individuals affected with ATM-related conditions. In summary, the available evidence is currently insufficient to determine the role of this variant in disease. Therefore, it has been classified as a Variant of Uncertain Significance.